The following is an entry in ClinVar:

ClinVar aggregate classification (germline): Conflicting classifications of pathogenicity. Review status: criteria provided, conflicting classifications (1 of 4 stars). 6 submissions from 6 submitters: Uncertain significance (2); Likely benign (3). 1 of the submissions does not count toward it. Last evaluated 2026-01-24.

Conditions:
Mitochondrial complex I deficiency, nuclear type 1. Also called: NADH-COENZYME Q REDUCTASE DEFICIENCY; MITOCHONDRIAL NADH DEHYDROGENASE COMPONENT OF COMPLEX I, DEFICIENCY OF. Identifiers: MedGen C6022305, MONDO:0100224, OMIM 252010.
Mitochondrial complex I deficiency. Also called: NADH:Q(1) OXIDOREDUCTASE DEFICIENCY. Identifiers: Orphanet 2609, MedGen C1838979, MeSH C537475, MONDO:0100133.

Allele frequency attached by ClinVar (database versions not stated): gnomAD exomes 0.00019 and 0.00031; gnomAD 0.00021 and 0.00024; ESP Exome Variant Server 0.00023; TOPMed 0.00023; ExAC 0.00030.
gnomAD v4.1: 320 of 1,614,090 alleles (0.02%); highest among the groups gnomAD compares: Non-Finnish European, 0.016%; no homozygotes.

Submissions (6):

Labcorp Genetics (formerly Invitae), Labcorp
Classification: Likely benign. Last evaluated: 2026-01-24. Review status: criteria provided, single submitter. Criteria: Invitae Variant Classification Sherloc (09022015). Collection method: clinical testing. Allele origin: germline.

GeneDx
Classification: Uncertain significance. Last evaluated: 2025-09-08. Review status: criteria provided, single submitter. Criteria: GeneDx Variant Classification Process June 2021. Collection method: clinical testing. Allele origin: germline. Affected: yes.
Comment: In silico analysis indicates that this variant does not alter splicing; Has not been previously published as pathogenic or benign to our knowledge

Mayo Clinic Laboratories, Mayo Clinic
Classification: Likely benign. Last evaluated: 2025-05-22. Review status: criteria provided, single submitter. Criteria: ACMG Guidelines, 2015. Collection method: clinical testing. Allele origin: germline. Observed: 1 variant allele.
Comment: BS1, BP4, BP7

Blueprint Genetics
Classification: Likely benign. Last evaluated: 2024-11-05. Review status: criteria provided, single submitter. Criteria: ACMG Guidelines, 2015. Collection method: clinical testing. Allele origin: germline.

Illumina Laboratory Services, Illumina
Classification: Uncertain significance for Mitochondrial complex I deficiency, nuclear type 1. Last evaluated: 2018-01-12. Review status: criteria provided, single submitter. Criteria: ICSL Variant Classification Criteria 13 December 2019. Collection method: clinical testing. Allele origin: germline.

Natera, Inc.
Classification: Uncertain significance for Mitochondrial complex I deficiency. Last evaluated: 2019-11-11. Review status: no assertion criteria provided. Collection method: clinical testing. Allele origin: germline. Not counted in ClinVar's aggregate classification.

NM_004553.6(NDUFS6):c.198C>T (p.Asn66=)

Gene: NDUFS6 (NADH:ubiquinone oxidoreductase subunit S6; plus strand). Cytogenetic location: 5p15.33.
Variant type: single nucleotide variant.
Coding change: c.198C>T on transcript NM_004553.6 (MANE Select); coding-DNA position 198, C replaced by T.
Protein change: p.Asn66=; no amino-acid change (asparagine 66 retained).
Molecular consequence: synonymous variant.
Genome position (GRCh38, 1-based): chr5:1,814,350, C>T. VCF-style: chr5-1814350-C-T. GRCh37 (hg19) VCF-style: chr5-1814464-C-T.
Other names: p.Asn66=.
Identifiers: ClinVar variation 353192 (VCV000353192.21), dbSNP rs140887831, ClinGen allele CA3187621.